The following is an entry in ClinVar:

NM_000020.3(ACVRL1):c.812C>A (p.Thr271Lys)

Gene: ACVRL1 (activin A receptor like type 1; plus strand). Cytogenetic location: 12q13.13.
Variant type: single nucleotide variant.
Coding change: c.812C>A on transcript NM_000020.3 (MANE Select); coding-DNA position 812, C replaced by A.
Protein change: p.Thr271Lys; replaces threonine 271 with lysine.
Molecular consequence: missense variant.
Genome position (GRCh38, 1-based): chr12:51,915,264, C>A. VCF-style: chr12-51915264-C-A. GRCh37 (hg19) VCF-style: chr12-52309048-C-A.
Other names: c.812C>A, p.Thr271Lys (NM_001077401.2); short protein forms T271K.
Identifiers: ClinVar variation 1440648 (VCV001440648.6), dbSNP rs2139072795, ClinGen allele CA384900414.

ClinVar aggregate classification (germline): Likely pathogenic (1 of 4 stars; one submission).

Conditions:
Telangiectasia, hereditary hemorrhagic, type 2 (HHT2). Also called: ACVRL1-Related Hereditary Hemorrhagic Telangiectasia; Telangiectasia, hereditary hemorrhagic, type II. Identifiers: Orphanet 774, MedGen C1838163, MONDO:0010880, OMIM 600376. Disease mechanism: loss of function.

Submission:

Labcorp Genetics (formerly Invitae), Labcorp
Classification: Likely pathogenic for Telangiectasia, hereditary hemorrhagic, type 2. Last evaluated: 2022-11-29. Review status: criteria provided, single submitter. Criteria: Invitae Variant Classification Sherloc (09022015). Collection method: clinical testing. Allele origin: germline.
Comment: In summary, the currently available evidence indicates that the variant is pathogenic, but additional data are needed to prove that conclusively. Therefore, this variant has been classified as Likely Pathogenic. Advanced modeling of protein sequence and biophysical properties (such as structural, functional, and spatial information, amino acid conservation, physicochemical variation, residue mobility, and thermodynamic stability) performed at Invitae indicates that this missense variant is expected to disrupt ACVRL1 protein function. This sequence change replaces threonine, which is neutral and polar, with lysine, which is basic and polar, at codon 271 of the ACVRL1 protein (p.Thr271Lys). This variant is not present in population databases (gnomAD no frequency). This missense change has been observed in individuals with hereditary hemorrhagic telangiectasia (PMID: 32300199; Invitae). ClinVar contains an entry for this variant (Variation ID: 1440648).

Literature cited by the submitters: PubMed 32300199.